The following is an entry in ClinVar:

ClinVar aggregate classification (germline): Uncertain significance (1 of 4 stars; one submission).

Submission:

CeGaT Center for Human Genetics Tuebingen
Classification: Uncertain significance. Last evaluated: 2023-01-01. Review status: criteria provided, single submitter. Criteria: CeGaT Center For Human Genetics Tuebingen Variant Classification Criteria Version 2. Collection method: clinical testing. Allele origin: germline. Affected: yes. Observed: 2 variant alleles.
Comment: IFIH1: PM2, PM5

NM_022168.4(IFIH1):c.2405A>C (p.Asn802Thr)

Gene: IFIH1 (interferon induced with helicase C domain 1; minus strand). Cytogenetic location: 2q24.2.
Variant type: single nucleotide variant.
Coding change: c.2405A>C on transcript NM_022168.4 (MANE Select); coding-DNA position 2405, A replaced by C.
Protein change: p.Asn802Thr; replaces asparagine 802 with threonine.
Molecular consequence: missense variant.
Genome position (GRCh38, 1-based): chr2:162,273,844, T>G on the plus strand (A>C on the coding strand, the complement: IFIH1 is on the minus strand). VCF-style: chr2-162273844-T-G. GRCh37 (hg19) VCF-style: chr2-163130354-T-G.
Other names: short protein forms N802T.
Identifiers: ClinVar variation 1879488 (VCV001879488.29), dbSNP rs2468954478, ClinGen allele CA348995865.